The following is an entry in ClinVar:

ClinVar aggregate classification (germline): Uncertain significance. Review status: criteria provided, multiple submitters, no conflicts (2 of 4 stars). 3 submissions from 3 submitters: Uncertain significance (3). Last evaluated 2025-05-19.

Conditions:
ANKRD26-related disorder. Also called: ANKRD26-related condition.

Submissions (3):

PreventionGenetics, part of Exact Sciences
Classification: Uncertain significance for ANKRD26-related condition. Last evaluated: 2025-05-19. Review status: criteria provided, single submitter. Criteria: ACMG Guidelines, 2015. Collection method: clinical testing. Allele origin: germline.
Comment: The ANKRD26 c.643C>T variant is predicted to result in the amino acid substitution p.His215Tyr. To our knowledge, this variant has not been reported in the literature. This variant is reported in 0.037% of alleles in individuals of Latino descent in gnomAD. Although we suspect that this variant may be benign, at this time, the clinical significance of this variant is uncertain due to the absence of conclusive functional and genetic evidence.

Labcorp Genetics (formerly Invitae), Labcorp
Classification: Uncertain significance. Last evaluated: 2025-02-13. Review status: criteria provided, single submitter. Criteria: Invitae Variant Classification Sherloc (09022015). Collection method: clinical testing. Allele origin: germline.
Comment: This sequence change replaces histidine, which is basic and polar, with tyrosine, which is neutral and polar, at codon 215 of the ANKRD26 protein (p.His215Tyr). This variant is present in population databases (rs751730465, gnomAD 0.04%), and has an allele count higher than expected for a pathogenic variant. This variant has not been reported in the literature in individuals affected with ANKRD26-related conditions. ClinVar contains an entry for this variant (Variation ID: 3351573). An algorithm developed to predict the effect of missense changes on protein structure and function outputs the following: PolyPhen-2: "Benign". The tyrosine amino acid residue is found in multiple mammalian species, which suggests that this missense change does not adversely affect protein function. In summary, the available evidence is currently insufficient to determine the role of this variant in disease. Therefore, it has been classified as a Variant of Uncertain Significance.

GeneDx
Classification: Uncertain significance. Last evaluated: 2023-11-25. Review status: criteria provided, single submitter. Criteria: GeneDx Variant Classification Process June 2021. Collection method: clinical testing. Allele origin: germline. Affected: yes.
Comment: In silico analysis supports that this missense variant does not alter protein structure/function; Has not been previously published as pathogenic or benign to our knowledge

NM_014915.3(ANKRD26):c.643C>T (p.His215Tyr)

Gene: ANKRD26 (ankyrin repeat domain 26; minus strand). Cytogenetic location: 10p12.1.
Variant type: single nucleotide variant.
Coding change: c.643C>T on transcript NM_014915.3 (MANE Select); coding-DNA position 643, C replaced by T.
Protein change: p.His215Tyr; replaces histidine 215 with tyrosine.
Molecular consequence: missense variant.
Genome position (GRCh38, 1-based): chr10:27,086,605, G>A on the plus strand (C>T on the coding strand, the complement: ANKRD26 is on the minus strand). VCF-style: chr10-27086605-G-A. GRCh37 (hg19) VCF-style: chr10-27375534-G-A.
Other names: c.643C>T, p.His215Tyr (NM_001256053.2); short protein forms H215Y.
Identifiers: ClinVar variation 3351573 (VCV003351573.5).